The following is an entry in ClinVar:

ClinVar aggregate classification (germline): Uncertain significance (1 of 4 stars; one submission).

Conditions:
Fanconi anemia (FA). Also called: Fanconi's anemia. Identifiers: Orphanet 84, MedGen C0015625, MeSH D005199, MONDO:0019391.

Submission:

Labcorp Genetics (formerly Invitae), Labcorp
Classification: Uncertain significance for Fanconi anemia. Last evaluated: 2024-04-17. Review status: criteria provided, single submitter. Criteria: Invitae Variant Classification Sherloc (09022015). Collection method: clinical testing. Allele origin: germline.
Comment: This sequence change replaces glutamine, which is neutral and polar, with histidine, which is basic and polar, at codon 1210 of the FANCM protein (p.Gln1210His). This variant is not present in population databases (gnomAD no frequency). This variant has not been reported in the literature in individuals affected with FANCM-related conditions. Algorithms developed to predict the effect of missense changes on protein structure and function output the following: SIFT: "Not Available"; PolyPhen-2: "Benign"; Align-GVGD: "Not Available". The histidine amino acid residue is found in multiple mammalian species, which suggests that this missense change does not adversely affect protein function. In summary, the available evidence is currently insufficient to determine the role of this variant in disease. Therefore, it has been classified as a Variant of Uncertain Significance.

NM_020937.4(FANCM):c.3630G>T (p.Gln1210His)

Gene: FANCM (FA complementation group M; plus strand). Cytogenetic location: 14q21.2.
Variant type: single nucleotide variant.
Coding change: c.3630G>T on transcript NM_020937.4 (MANE Select); coding-DNA position 3630, G replaced by T.
Protein change: p.Gln1210His; replaces glutamine 1210 with histidine.
Molecular consequence: missense variant.
Genome position (GRCh38, 1-based): chr14:45,176,384, G>T. VCF-style: chr14-45176384-G-T. GRCh37 (hg19) VCF-style: chr14-45645587-G-T.
Other names: c.3552G>T, p.Gln1184His (NM_001308133.2); short protein forms Q1184H, Q1210H.
Identifiers: ClinVar variation 3676452 (VCV003676452.2).